The following is an entry in ClinVar:

ClinVar aggregate classification (germline): Uncertain significance. Review status: criteria provided, multiple submitters, no conflicts (2 of 4 stars). 2 submissions from 2 submitters: Uncertain significance (2). Last evaluated 2023-01-25.

Conditions:
DNA ligase IV deficiency. Identifiers: Orphanet 99812, MedGen C1847827, MONDO:0011686, OMIM 606593.
Inborn genetic diseases. Identifiers: MedGen C0950123, MeSH D030342.

Allele frequency attached by ClinVar (database versions not stated): gnomAD exomes 0.00001.
gnomAD v4.1: 7 of 1,613,912 alleles (0.00043%); highest among the groups gnomAD compares: Non-Finnish European, 0.00059%; no homozygotes.

Submissions (2):

Ambry Genetics
Classification: Uncertain significance for Inborn genetic diseases. Last evaluated: 2023-01-25. Review status: criteria provided, single submitter. Criteria: Ambry Variant Classification Scheme 2023. Collection method: clinical testing. Allele origin: germline.

Labcorp Genetics (formerly Invitae), Labcorp
Classification: Uncertain significance for DNA ligase IV deficiency. Last evaluated: 2022-03-18. Review status: criteria provided, single submitter. Criteria: Invitae Variant Classification Sherloc (09022015). Collection method: clinical testing. Allele origin: germline.
Comment: In summary, the available evidence is currently insufficient to determine the role of this variant in disease. Therefore, it has been classified as a Variant of Uncertain Significance. Algorithms developed to predict the effect of missense changes on protein structure and function are either unavailable or do not agree on the potential impact of this missense change (SIFT: "Tolerated"; PolyPhen-2: "Probably Damaging"; Align-GVGD: "Class C0"). This variant has not been reported in the literature in individuals affected with LIG4-related conditions. This variant is not present in population databases (gnomAD no frequency). This sequence change replaces aspartic acid, which is acidic and polar, with glycine, which is neutral and non-polar, at codon 821 of the LIG4 protein (p.Asp821Gly).

NM_206937.2(LIG4):c.2462A>G (p.Asp821Gly)

Gene: LIG4 (DNA ligase 4; minus strand). Cytogenetic location: 13q33.3.
Variant type: single nucleotide variant.
Coding change: c.2462A>G on transcript NM_206937.2 (MANE Select); coding-DNA position 2462, A replaced by G.
Protein change: p.Asp821Gly; replaces aspartic acid 821 with glycine.
Molecular consequence: missense variant.
Genome position (GRCh38, 1-based): chr13:108,208,807, T>C on the plus strand (A>G on the coding strand, the complement: LIG4 is on the minus strand). VCF-style: chr13-108208807-T-C. GRCh37 (hg19) VCF-style: chr13-108861155-T-C.
Other names: c.2462A>G, p.Asp821Gly (NM_001098268.2, NM_001352598.2, NM_001352599.2 and 6 more transcripts); c.2261A>G, p.Asp754Gly (NM_001330595.2); c.2498A>G, p.Asp833Gly (NM_001352604.2); short protein forms D821G, D833G, D754G.
Identifiers: ClinVar variation 1897733 (VCV001897733.4), dbSNP rs1878217538, ClinGen allele CA388613023.